The following is an entry in ClinVar:

NM_004525.3(LRP2):c.1330G>A (p.Val444Met)

Gene: LRP2 (LDL receptor related protein 2; minus strand). Cytogenetic location: 2q31.1.
Variant type: single nucleotide variant.
Coding change: c.1330G>A on transcript NM_004525.3 (MANE Select); coding-DNA position 1330, G replaced by A.
Protein change: p.Val444Met; replaces valine 444 with methionine.
Molecular consequence: missense variant.
Genome position (GRCh38, 1-based): chr2:169,280,361, C>T on the plus strand (G>A on the coding strand, the complement: LRP2 is on the minus strand). VCF-style: chr2-169280361-C-T. GRCh37 (hg19) VCF-style: chr2-170136871-C-T.
Other names: c.1330G>A (NM_004525.2); short protein forms V444M.
Identifiers: ClinVar variation 1119039 (VCV001119039.12), dbSNP rs148503556, ClinGen allele CA1955600.

ClinVar aggregate classification (germline): Conflicting classifications of pathogenicity. Review status: criteria provided, conflicting classifications (1 of 4 stars). 4 submissions from 4 submitters: Uncertain significance (2); Benign (1); Likely benign (1). Last evaluated 2026-06-17.

Conditions:
LRP2-related disorder. Also called: LRP2-related condition.

Allele frequency attached by ClinVar (database versions not stated): gnomAD 0.00006; ESP Exome Variant Server 0.00008; TOPMed 0.00011; ExAC 0.00015.
gnomAD v4.1: 122 of 1,614,038 alleles (0.0076%); highest among the groups gnomAD compares: Admixed American, 0.085%; no homozygotes.

Submissions (4):

PreventionGenetics, part of Exact Sciences
Classification: Uncertain significance for LRP2-related condition. Last evaluated: 2026-06-17. Review status: criteria provided, single submitter. Criteria: ACMG Guidelines, 2015. Collection method: clinical testing. Allele origin: germline.
Comment: The LRP2 c.1330G>A variant is predicted to result in the amino acid substitution p.Val444Met. To our knowledge, this variant has not been reported in the literature. This variant is reported in 0.13% of alleles in individuals of Latino descent in gnomAD, which is likely too frequent for a disease- causing variant. Although we suspect that this variant may be benign, at this time, the clinical significance of this variant is uncertain due to the absence of conclusive functional and genetic evidence.

Labcorp Genetics (formerly Invitae), Labcorp
Classification: Likely benign. Last evaluated: 2026-01-18. Review status: criteria provided, single submitter. Criteria: Invitae Variant Classification Sherloc (09022015). Collection method: clinical testing. Allele origin: germline.

GeneDx
Classification: Uncertain significance. Last evaluated: 2023-06-01. Review status: criteria provided, single submitter. Criteria: GeneDx Variant Classification Process June 2021. Collection method: clinical testing. Allele origin: germline. Affected: yes.
Comment: In silico analysis supports that this missense variant does not alter protein structure/function; Has not been previously published as pathogenic or benign to our knowledge

Blueprint Genetics
Classification: Benign. Last evaluated: 2020-01-31. Review status: criteria provided, single submitter. Criteria: ACMG Guidelines, 2015. Collection method: clinical testing. Allele origin: germline.